The following is an entry in ClinVar:

ClinVar aggregate classification (germline): Pathogenic. Review status: criteria provided, multiple submitters, no conflicts (2 of 4 stars). 2 submissions from 2 submitters: Pathogenic (2). Last evaluated 2025-03-13.

Conditions:
Hereditary cancer-predisposing syndrome. Also called: Hereditary neoplastic syndrome; Neoplastic Syndromes, Hereditary; Hereditary Cancer Syndrome; Tumor predisposition. Identifiers: Orphanet 140162, MedGen C0027672, MeSH D009386, MONDO:0015356.

Submissions (2):

Labcorp Genetics (formerly Invitae), Labcorp
Classification: Pathogenic for Hereditary cancer-predisposing syndrome. Last evaluated: 2025-03-13. Review status: criteria provided, single submitter. Criteria: Invitae Variant Classification Sherloc (09022015). Collection method: clinical testing. Allele origin: germline.
Comment: This sequence change creates a premature translational stop signal (p.Glu977Leufs*6) in the RAD50 gene. It is expected to result in an absent or disrupted protein product. Loss-of-function variants in RAD50 are known to be pathogenic (PMID: 19409520). This variant is present in population databases (rs774194431, gnomAD 0.05%). This variant has not been reported in the literature in individuals affected with RAD50-related conditions. ClinVar contains an entry for this variant (Variation ID: 128014). For these reasons, this variant has been classified as Pathogenic.

Ambry Genetics
Classification: Pathogenic for Hereditary cancer-predisposing syndrome. Last evaluated: 2024-07-07. Review status: criteria provided, single submitter. Criteria: Ambry Variant Classification Scheme 2023. Collection method: clinical testing. Allele origin: germline.
Comment: The c.2929_2932delGAAA pathogenic mutation, located in coding exon 19 of the RAD50 gene, results from a deletion of 4 nucleotides at nucleotide positions 2929 to 2932, causing a translational frameshift with a predicted alternate stop codon (p.E977Lfs*6). This alteration is expected to result in loss of function by premature protein truncation or nonsense-mediated mRNA decay. As such, this alteration is interpreted as a disease-causing mutation.

Literature cited by the submitters: PubMed 19409520 (cited by Labcorp Genetics (formerly Invitae), Labcorp).

NM_005732.4(RAD50):c.2929_2932del (p.Glu977fs)

Gene: RAD50 (RAD50 double strand break repair protein; plus strand). Cytogenetic location: 5q31.1.
Variant type: Deletion.
Coding change: c.2929_2932del on transcript NM_005732.4 (MANE Select); coding-DNA positions 2929 to 2932, 4 bases deleted (GAAA; older notation c.2929_2932delGAAA).
Protein change: p.Glu977fs; shifts the reading frame from glutamic acid 977.
Molecular consequence: frameshift variant.
Genome position (GRCh38, 1-based): chr5:132,609,289-132,609,292, GAAA deleted; deleting any 4 consecutive bases within chr5:132,609,286-132,609,292 gives the same sequence; the c. name uses the placement nearest the transcript's 3' end. VCF-style (leftmost placement, unchanged base first): chr5-132609285-AAAAG-A. GRCh37 (hg19) VCF-style: chr5-131944977-AAAAG-A.
Other names: c.2929_2932del (NM_005732.3); short protein forms E977fs.
Identifiers: ClinVar variation 128014 (VCV000128014.15), dbSNP rs587780153, ClinGen allele CA288205.